The following is an entry in ClinVar:

ClinVar aggregate classification (germline): Uncertain significance (1 of 4 stars; one submission).

gnomAD v4.1: 4 of 1,559,732 alleles (0.00026%); highest among the groups gnomAD compares: Non-Finnish European, 0.00035%; no homozygotes.

Submission:

Ambry Genetics
Classification: Uncertain significance. Last evaluated: 2024-04-14. Review status: criteria provided, single submitter. Criteria: Ambry Variant Classification Scheme 2023. Collection method: clinical testing. Allele origin: germline.
Comment: The p.N104H variant (also known as c.310A>C), located in coding exon 1 of the GALNT12 gene, results from an A to C substitution at nucleotide position 310. The asparagine at codon 104 is replaced by histidine, an amino acid with similar properties. This amino acid position is highly conserved in available vertebrate species. In addition, the in silico prediction for this alteration is inconclusive. Since supporting evidence is limited at this time, the clinical significance of this alteration remains unclear.

NM_024642.5(GALNT12):c.310A>C (p.Asn104His)

Gene: GALNT12 (polypeptide N-acetylgalactosaminyltransferase 12; plus strand). Cytogenetic location: 9q22.33.
Variant type: single nucleotide variant.
Coding change: c.310A>C on transcript NM_024642.5 (MANE Select); coding-DNA position 310, A replaced by C.
Protein change: p.Asn104His; replaces asparagine 104 with histidine.
Molecular consequence: missense variant.
Genome position (GRCh38, 1-based): chr9:98,808,008, A>C. VCF-style: chr9-98808008-A-C. GRCh37 (hg19) VCF-style: chr9-101570290-A-C.
Other names: short protein forms N104H.
Identifiers: ClinVar variation 1727722 (VCV001727722.3), dbSNP rs2490456219, ClinGen allele CA374222876.